The following is an entry in ClinVar:

ClinVar aggregate classification (germline): Uncertain significance. Review status: criteria provided, multiple submitters, no conflicts (2 of 4 stars). 4 submissions from 4 submitters: Uncertain significance (4). Last evaluated 2026-05-05.

Conditions:
Autosomal dominant osteopetrosis 1 (OPTA1). Also called: OSTEOPETROSIS, AUTOSOMAL DOMINANT, TYPE I. Identifiers: Orphanet 2783, MedGen C1843330, MONDO:0011877, OMIM 607634.
Polycystic liver disease 4 with or without kidney cysts. Identifiers: MedGen C4693479, MONDO:0044327, OMIM 617875.
Osteoporosis with pseudoglioma (OPPG). Also called: osteoporosis-pseudoglioma syndrome. Identifiers: Orphanet 2788, MedGen C0432252, MONDO:0009820, OMIM 259770.
Exudative vitreoretinopathy 4 (EVR4). Identifiers: Orphanet 891, MedGen C1866176, MONDO:0011151, OMIM 601813.
Bone mineral density quantitative trait locus 1 (BMND1). Identifiers: MedGen C1866079, OMIM 601884.
Worth disease. Also called: Autosomal dominant osteosclerosis, Worth type; ENDOSTEAL HYPEROSTOSIS, AUTOSOMAL DOMINANT; OSTEOSCLEROSIS, AUTOSOMAL DOMINANT. Identifiers: Orphanet 2790, MedGen C0432273, MONDO:0007764, OMIM 144750.
Inborn genetic diseases. Identifiers: MedGen C0950123, MeSH D030342.

gnomAD v4.1: 9 of 1,611,942 alleles (0.00056%); highest among the groups gnomAD compares: Middle Eastern, 0.016%; no homozygotes.

Submissions (4):

Ambry Genetics
Classification: Uncertain significance for Inborn genetic diseases. Last evaluated: 2026-05-05. Review status: criteria provided, single submitter. Criteria: Ambry Variant Classification Scheme 2023. Collection method: clinical testing. Allele origin: germline.

Labcorp Genetics (formerly Invitae), Labcorp
Classification: Uncertain significance. Last evaluated: 2025-01-02. Review status: criteria provided, single submitter. Criteria: Invitae Variant Classification Sherloc (09022015). Collection method: clinical testing. Allele origin: germline.
Comment: This sequence change replaces glycine, which is neutral and non-polar, with arginine, which is basic and polar, at codon 911 of the LRP5 protein (p.Gly911Arg). The frequency data for this variant in the population databases is considered unreliable, as metrics indicate poor data quality at this position in the gnomAD database. This variant has not been reported in the literature in individuals affected with LRP5-related conditions. Invitae Evidence Modeling of protein sequence and biophysical properties (such as structural, functional, and spatial information, amino acid conservation, physicochemical variation, residue mobility, and thermodynamic stability) has been performed for this missense variant. However, the output from this modeling did not meet the statistical confidence thresholds required to predict the impact of this variant on LRP5 protein function. In summary, the available evidence is currently insufficient to determine the role of this variant in disease. Therefore, it has been classified as a Variant of Uncertain Significance.

Fulgent Genetics
Classification: Uncertain significance for Worth disease; Osteoporosis with pseudoglioma; Exudative vitreoretinopathy 4; Bone mineral density quantitative trait locus 1; Autosomal dominant osteopetrosis 1; Polycystic liver disease 4 with or without kidney cysts. Last evaluated: 2024-06-17. Review status: criteria provided, single submitter. Criteria: ACMG Guidelines, 2015. Collection method: clinical testing. Allele origin: germline.

Blueprint Genetics
Classification: Uncertain significance. Last evaluated: 2022-01-17. Review status: criteria provided, single submitter. Criteria: ACMG Guidelines, 2015. Collection method: clinical testing. Allele origin: germline.

NM_002335.4(LRP5):c.2731G>A (p.Gly911Arg)

Gene: LRP5 (LDL receptor related protein 5; plus strand). Cytogenetic location: 11q13.2.
Variant type: single nucleotide variant.
Coding change: c.2731G>A on transcript NM_002335.4 (MANE Select); coding-DNA position 2731, G replaced by A.
Protein change: p.Gly911Arg; replaces glycine 911 with arginine.
Molecular consequence: missense variant.
Genome position (GRCh38, 1-based): chr11:68,413,916, G>A. VCF-style: chr11-68413916-G-A. GRCh37 (hg19) VCF-style: chr11-68181384-G-A.
Other names: c.988G>A, p.Gly330Arg (NM_001291902.2); c.2731G>A (NM_002335.2); short protein forms G330R, G911R.
Identifiers: ClinVar variation 3600214 (VCV003600214.5).